The following is an entry in ClinVar:

ClinVar aggregate classification (germline): Pathogenic. Review status: reviewed by expert panel (3 of 4 stars). 20 submissions from 20 submitters: Pathogenic (1). 19 of the submissions do not count toward it. Last evaluated 2016-04-22.

Conditions:
Hereditary cancer-predisposing syndrome. Also called: Tumor predisposition; Neoplastic Syndromes, Hereditary; Hereditary Cancer Syndrome; Hereditary neoplastic syndrome. Identifiers: Orphanet 140162, MedGen C0027672, MeSH D009386, MONDO:0015356.
Hereditary breast ovarian cancer syndrome. Also called: Hereditary breast and ovarian cancer syndrome (HBOC); Hereditary breast and ovarian cancer syndrome; Hereditary breast and ovarian cancer; Hereditary breast and/or ovarian cancer syndrome; Breast and ovarian cancer; BRCA1- and BRCA2-Associated Hereditary Breast and Ovarian Cancer. Identifiers: Orphanet 145, MedGen C0677776, MeSH D061325, MONDO:0003582. Disease mechanism: loss of function.
Breast-ovarian cancer, familial, susceptibility to, 1 (BROVCA1). Also called: OVARIAN CANCER, SUSCEPTIBILITY TO; BRCA1 Hereditary Breast and Ovarian Cancer. Identifiers: Orphanet 145, MedGen C2676676, MONDO:0011450, OMIM 604370. Disease mechanism: loss of function.

Submissions 1 to 10 of 20:

Evidence-based Network for the Interpretation of Germline Mutant Alleles (ENIGMA)
Classification: Pathogenic for Breast-ovarian cancer, familial, susceptibility to, 1. Last evaluated: 2016-04-22. Review status: reviewed by expert panel. Criteria: ENIGMA BRCA1/2 Classification Criteria (2015). Collection method: curation. Allele origin: germline.
Comment: Variant allele predicted to encode a truncated non-functional protein.

Labcorp Genetics (formerly Invitae), Labcorp
Classification: Pathogenic for Hereditary breast ovarian cancer syndrome. Last evaluated: 2026-01-20. Review status: criteria provided, single submitter. Criteria: Invitae Variant Classification Sherloc (09022015). Collection method: clinical testing. Allele origin: germline. Not counted in ClinVar's aggregate classification.
Comment: This sequence change creates a premature translational stop signal (p.Lys608Ilefs*3) in the BRCA1 gene. It is expected to result in an absent or disrupted protein product. Loss-of-function variants in BRCA1 are known to be pathogenic (PMID: 20104584). This variant is present in population databases (rs80357952, gnomAD 0.0009%). This premature translational stop signal has been observed in individual(s) with breast and ovarian cancer (PMID: 9333265, 10486320, 24504028, 24728189, 25452441). This variant is also known as 1942del4 and 608_609del. ClinVar contains an entry for this variant (Variation ID: 54361). For these reasons, this variant has been classified as Pathogenic.

Center for Genomic Medicine, Rigshospitalet, Copenhagen University Hospital
Classification: Pathogenic. Last evaluated: 2025-12-29. Review status: criteria provided, single submitter. Criteria: ACMG Guidelines, 2015. Collection method: clinical testing. Allele origin: germline. Not counted in ClinVar's aggregate classification.

Helix
Classification: Pathogenic for Breast-ovarian cancer, familial, susceptibility to, 1. Last evaluated: 2025-09-25. Review status: criteria provided, single submitter. Criteria: ACMG Guidelines, 2015. Collection method: clinical testing. Allele origin: germline. Inheritance: Autosomal dominant inheritance. Not counted in ClinVar's aggregate classification.
Comment: This variant (NM_007294.4:c.1823_1826del p.Lys608IlefsTer3) results in a frameshift, which creates a premature stop codon in the BRCA1 gene. It is predicted to result in nonsense-mediated mRNA decay or in the production of a truncated protein, leading to loss-of-function (LOF). LOF variants in the BRCA1 gene are known to be deleterious (PMID: 20104584, 20301575). This variant is also known as 608_609del. It is present in the non-cancer cohort of the gnomAD population database (PMID: 32461654) at the highest allele frequency in the European (non-Finnish) subpopulation among non-founder subpopulations (1/102516 alleles, 0.000976%). This variant has been observed in several individuals with BRCA1-related cancers (PMID: 24504028, 31263571). This variant is present in ClinVar (Variation ID: 54361). In conclusion, this variant has been classified as Pathogenic.

Quest Diagnostics Nichols Institute San Juan Capistrano
Classification: Pathogenic. Last evaluated: 2025-03-01. Review status: criteria provided, single submitter. Criteria: Quest Diagnostics criteria. Collection method: clinical testing. Allele origin: unknown. Not counted in ClinVar's aggregate classification.
Comment: The BRCA1 c.1823_1826del (p.Lys608Ilefs*3) variant alters the translational reading frame of the BRCA1 mRNA and causes the premature termination of BRCA1 protein synthesis. This variant has been reported in the published literature in individuals and/or families with breast and/or ovarian cancer (PMID: 34981296 (2022), 34887416 (2021), 31263571 (2019), 24504028 (2014), 10486320 (1999), 9333265 (1997)). This variant has not been reported in large, multi-ethnic general populations (Genome Aggregation Database). Based on the available information, this variant is classified as pathogenic.

Molecular Pathology, Peter Maccallum Cancer Centre
Classification: Pathogenic for Breast-ovarian cancer, familial, susceptibility to, 1. Last evaluated: 2025-02-28. Review status: criteria provided, single submitter. Criteria: ACMG Guidelines, 2015. Collection method: clinical testing. Allele origin: germline. Inheritance: Autosomal dominant inheritance. Not counted in ClinVar's aggregate classification.

Ambry Genetics
Classification: Pathogenic for Hereditary cancer-predisposing syndrome. Last evaluated: 2024-11-08. Review status: criteria provided, single submitter. Criteria: Ambry Variant Classification Scheme 2023. Collection method: clinical testing. Allele origin: germline. Not counted in ClinVar's aggregate classification.
Comment: The c.1823_1826delAGAA pathogenic mutation, located in coding exon 9 of the BRCA1 gene, results from a deletion of 4 nucleotides at nucleotide positions 1823 to 1826, causing a translational frameshift with a predicted alternate stop codon (p.K608Ifs*3). This alteration has been reported in multiple individuals diagnosed with breast and/or ovarian cancer (Gayther SA et al. Am. J. Hum. Genet. 1999 Oct;65:1021-9; Shattuck-Eidens D et al. JAMA. 1997 Oct;278:1242-50; Thomassen M et al. Acta Oncol. 2008;47:772-7; Song H et al. Hum. Mol. Genet. 2014 Sep;23:4703-9; Loizidou MA et al. Clin. Genet. 2017 Apr;91:611-615; Heramb C et al. Hered Cancer Clin Pract, 2018 Jan;16:3; Bertelsen B et al. NPJ Genom Med, 2019 Jun;4:13). This alteration was also identified in a large, worldwide study of BRCA1/2 mutation positive families (Rebbeck TR et al. Hum Mutat, 2018 05;39:593-620). In addition to the clinical data presented in the literature, this alteration is expected to result in loss of function by premature protein truncation or nonsense-mediated mRNA decay. As such, this alteration is interpreted as a disease-causing mutation.

Department of Clinical Genetics, Copenhagen University Hospital, Rigshospitalet
Classification: Pathogenic for Breast-ovarian cancer, familial, susceptibility to, 1. Last evaluated: 2024-05-27. Review status: criteria provided, single submitter. Criteria: ACMG Guidelines, 2015. Collection method: clinical testing. Allele origin: germline. Affected: yes. Not counted in ClinVar's aggregate classification.
Comment: PVS1; PM5_PTC_Strong

All of Us Research Program, National Institutes of Health
Classification: Pathogenic for Breast-ovarian cancer, familial, susceptibility to, 1. Last evaluated: 2023-06-20. Review status: criteria provided, single submitter. Criteria: ACMG Guidelines, 2015. Collection method: clinical testing. Allele origin: germline. Inheritance: Autosomal dominant inheritance. Observed: 1 variant allele, 1 heterozygote. Not counted in ClinVar's aggregate classification.
Comment: This variant deletes 4 nucleotides in exon 10 of the BRCA1 gene, creating a frameshift and premature translation stop signal. This variant is expected to result in an absent or non-functional protein product. This variant has been identified in 1/251062 chromosomes in the general population by the Genome Aggregation Database (gnomAD). Loss of BRCA1 function is a known mechanism of disease. Based on the available evidence, this variant is classified as Pathogenic.

This study involves interpretation of variants in research participants for the purpose of population health screening. Participant phenotype was not available at the time of variant classification. Additional details can be found in publication PMID: 35346344, PMCID: PMC8962531

Color Diagnostics, LLC DBA Color Health
Classification: Pathogenic for Hereditary cancer-predisposing syndrome. Last evaluated: 2023-02-28. Review status: criteria provided, single submitter. Criteria: ACMG Guidelines, 2015. Collection method: clinical testing. Allele origin: germline. Not counted in ClinVar's aggregate classification.
Comment: This variant deletes 4 nucleotides in exon 10 of the BRCA1 gene, creating a frameshift and premature translation stop signal. This variant is expected to result in an absent or non-functional protein product. This variant has been observed in individuals affected with breast and ovarian cancer (PMID: 24728189, 25452441, 31263571, 33471991). This variant has been identified in 1/251062 chromosomes in the general population by the Genome Aggregation Database (gnomAD). Loss of BRCA1 function is a known mechanism of disease. Based on the available evidence, this variant is classified as Pathogenic.

NM_007294.4(BRCA1):c.1823_1826del (p.Lys608fs)

Gene: BRCA1 (BRCA1 DNA repair associated; minus strand). Cytogenetic location: 17q21.31.
Variant type: Deletion.
Coding change: c.1823_1826del on transcript NM_007294.4 (MANE Select); coding-DNA positions 1823 to 1826, 4 bases deleted (AGAA; older notation c.1823_1826delAGAA).
Protein change: p.Lys608fs; shifts the reading frame from lysine 608.
Molecular consequence: frameshift variant. On other transcripts: intron variant (137).
Genome position (GRCh38, 1-based): chr17:43,093,705-43,093,708, TTCT deleted on the plus strand (AGAA on the coding strand, the reverse complement: BRCA1 is on the minus strand); deleting any 4 consecutive bases within chr17:43,093,705-43,093,710 gives the same sequence; the c. name uses the placement nearest the transcript's 3' end. VCF-style (leftmost placement, unchanged base first): chr17-43093704-ATTCT-A. GRCh37 (hg19) VCF-style: chr17-41245721-ATTCT-A.
Other names: 1940del4; 1942_1945delAGAA; 1942del4; c.1823_1826delAGAA (NM_007294.3); c.1700_1703del, p.Lys567fs (NM_001407666.1, NM_001407667.1, NM_001407668.1 and 19 more transcripts); c.1697_1700del, p.Lys566fs (NM_001407670.1, NM_001407671.1, NM_001407672.1 and 11 more transcripts); c.1823_1826del, p.Lys608fs (NM_001407684.1, NM_001407854.1, NM_001407858.1 and 30 more transcripts); c.1682_1685del, p.Lys561fs (NM_001407692.1, NM_001407694.1, NM_001407695.1 and 29 more transcripts); and 44 more; short protein forms K608fs, K561fs, K312fs, K496fs, K566fs, K567fs, K581fs, K480fs.
Identifiers: ClinVar variation 54361 (VCV000054361.74), dbSNP rs80357585, ClinGen allele CA001184.